The following is an entry in ClinVar:

NM_003482.4(KMT2D):c.13052T>G (p.Leu4351Trp)

Gene: KMT2D (lysine methyltransferase 2D; minus strand). Cytogenetic location: 12q13.12.
Variant type: single nucleotide variant.
Coding change: c.13052T>G on transcript NM_003482.4 (MANE Select); coding-DNA position 13052, T replaced by G.
Protein change: p.Leu4351Trp; replaces leucine 4351 with tryptophan.
Molecular consequence: missense variant.
Genome position (GRCh38, 1-based): chr12:49,031,653, A>C on the plus strand (T>G on the coding strand, the complement: KMT2D is on the minus strand). VCF-style: chr12-49031653-A-C. GRCh37 (hg19) VCF-style: chr12-49425436-A-C.
Other names: short protein forms L4351W.
Identifiers: ClinVar variation 2765365 (VCV002765365.4), dbSNP rs2498352660, ClinGen allele CA384707728.
Genomic context (GRCh38, chr12:49,031,653, plus strand): 5'-CTAAACAAGGTATCTGCAAGCTGGGCAGCAGCAGGTGAGACCCTCCCAGGAGGCGGCTCC[A>C]AGGTTGGCCCCTGAGGTTTGGGGGTCCCTGGATGGGTGGGAGGGAGCTGGGCCTCAGTGG-3'
Protein context (NP_003473.3, residues 4341-4361): PGTPKPQGPT[Leu4351Trp]EPPPGRVSPA

ClinVar aggregate classification (germline): Uncertain significance. Review status: criteria provided, multiple submitters, no conflicts (2 of 4 stars). 2 submissions from 2 submitters: Uncertain significance (2). Last evaluated 2024-01-29.

Conditions:
Choanal atresia-athelia-hypothyroidism-delayed puberty-short stature syndrome (BCAHH). Also called: BRANCHIAL ARCH ABNORMALITIES, CHOANAL ATRESIA, ATHELIA, HEARING LOSS, AND HYPOTHYROIDISM SYNDROME. Identifiers: Orphanet 589856, MedGen C5680310, MONDO:0035651, OMIM 620186.
Kabuki syndrome 1 (KABUK1). Also called: KMT2D-Related Kabuki Syndrome. Identifiers: Orphanet 2322, MedGen CN030661, MONDO:0007843, OMIM 147920.
Kabuki syndrome. Also called: NIIKAWA-KUROKI SYNDROME; Kabuki make-up syndrome. Identifiers: Orphanet 2322, MedGen C0796004, MONDO:0016512.

Submissions (2):

Fulgent Genetics
Classification: Uncertain significance for Kabuki syndrome 1; Choanal atresia-athelia-hypothyroidism-delayed puberty-short stature syndrome. Last evaluated: 2024-01-29. Review status: criteria provided, single submitter. Criteria: ACMG Guidelines, 2015. Collection method: clinical testing. Allele origin: germline.

Labcorp Genetics (formerly Invitae), Labcorp
Classification: Uncertain significance for Kabuki syndrome. Last evaluated: 2023-10-04. Review status: criteria provided, single submitter. Criteria: Invitae Variant Classification Sherloc (09022015). Collection method: clinical testing. Allele origin: germline.
Comment: This sequence change replaces leucine, which is neutral and non-polar, with tryptophan, which is neutral and slightly polar, at codon 4351 of the KMT2D protein (p.Leu4351Trp). This variant is not present in population databases (gnomAD no frequency). This variant has not been reported in the literature in individuals affected with KMT2D-related conditions. Advanced modeling of protein sequence and biophysical properties (such as structural, functional, and spatial information, amino acid conservation, physicochemical variation, residue mobility, and thermodynamic stability) performed at Invitae indicates that this missense variant is not expected to disrupt KMT2D protein function. In summary, the available evidence is currently insufficient to determine the role of this variant in disease. Therefore, it has been classified as a Variant of Uncertain Significance.